The following is an entry in ClinVar:

ClinVar aggregate classification (germline): Pathogenic (0 of 4 stars; one submission).

Conditions:
Alkaptonuria (AKU). Also called: Alkaptonuric ochronosis; Homogentisic acidura; Alcaptonuria; HOMOGENTISIC ACID OXIDASE DEFICIENCY. Identifiers: Orphanet 56, MedGen C0002066, MONDO:0008753, OMIM 203500.

Submission:

Department Of Human Genetics, Institute Of Clinical And Translational Research, Biomedical Research Center, Slovak Academy Of Sciences
Classification: Pathogenic for Alkaptonuria. Review status: no assertion criteria provided. Collection method: research. Allele origin: germline. Inheritance: Autosomal recessive inheritance. Affected: yes. Observed: 1 variant allele.
Comment: The variant was originally described in AKU patient in PMID:34504318. It has been submitted to the HGD gene mutation database (DB-ID: AKU_00227).

Literature cited by the submitters: PubMed 34504318.

NM_000187.4(HGD):c.174A>T (p.Arg58Ser)

Gene: HGD (homogentisate 1,2-dioxygenase; minus strand). Cytogenetic location: 3q13.33.
Variant type: single nucleotide variant.
Coding change: c.174A>T on transcript NM_000187.4 (MANE Select); coding-DNA position 174, A replaced by T.
Protein change: p.Arg58Ser; replaces arginine 58 with serine.
Molecular consequence: missense variant.
Genome position (GRCh38, 1-based): chr3:120,674,903, T>A on the plus strand (A>T on the coding strand, the complement: HGD is on the minus strand). VCF-style: chr3-120674903-T-A. GRCh37 (hg19) VCF-style: chr3-120393750-T-A.
Other names: short protein forms R58S.
Identifiers: ClinVar variation 2626820 (VCV002626820.1), dbSNP rs2472800703, ClinGen allele CA354081819.